The following is an entry in ClinVar:

NM_001264.5(CDSN):c.1413C>T (p.Pro471=)

Genes: CDSN (corneodesmosin; minus strand), PSORS1C1 (psoriasis susceptibility 1 candidate 1; plus strand). Cytogenetic location: 6p21.33.
Variant type: single nucleotide variant.
Coding change: c.1413C>T on transcript NM_001264.5 (MANE Select); coding-DNA position 1413, C replaced by T.
Protein change: p.Pro471=; no amino-acid change (proline 471 retained).
Molecular consequence: synonymous variant. On other transcripts: intron variant (1).
Genome position (GRCh38, 1-based): chr6:31,116,202, G>A on the plus strand (C>T on the coding strand, the complement: CDSN is on the minus strand). VCF-style: chr6-31116202-G-A. GRCh37 (hg19) VCF-style: chr6-31083979-G-A.
Other names: c.-229+1311G>A (NM_014068.3).
Identifiers: ClinVar variation 724193 (VCV000724193.12), dbSNP rs199905483, ClinGen allele CA3708317.

ClinVar aggregate classification (germline): Benign/Likely benign. Review status: criteria provided, multiple submitters, no conflicts (2 of 4 stars). 3 submissions from 3 submitters: Benign (1); Likely benign (1). 1 of the submissions does not count toward it. Last evaluated 2025-12-10.

Conditions:
CDSN-related disorder. Also called: CDSN-related condition.

Allele frequency attached by ClinVar (database versions not stated): gnomAD 0.00018 and 0.00022; gnomAD exomes 0.00022 and 0.00033; TOPMed 0.00026; 1000 Genomes Project 0.00040; ExAC 0.00040; 1000 Genomes Project 30x 0.00062.
gnomAD v4.1: 363 of 1,613,706 alleles (0.022%); highest among the groups gnomAD compares: South Asian, 0.17%; 1 homozygote.

Submissions (3):

Labcorp Genetics (formerly Invitae), Labcorp
Classification: Benign. Last evaluated: 2025-12-10. Review status: criteria provided, single submitter. Criteria: Invitae Variant Classification Sherloc (09022015). Collection method: clinical testing. Allele origin: germline.

Blueprint Genetics
Classification: Likely benign. Last evaluated: 2024-04-08. Review status: criteria provided, single submitter. Criteria: ACMG Guidelines, 2015. Collection method: clinical testing. Allele origin: germline.

PreventionGenetics, part of Exact Sciences
Classification: Likely benign for CDSN-related condition. Last evaluated: 2019-04-24. Review status: no assertion criteria provided. Collection method: clinical testing. Allele origin: germline. Not counted in ClinVar's aggregate classification.
Comment: This variant is classified as likely benign based on ACMG/AMP sequence variant interpretation guidelines (Richards et al. 2015 PMID: 25741868, with internal and published modifications).